The following is an entry in ClinVar:

NM_020779.4(WDR35):c.2135A>G (p.Lys712Arg)

Gene: WDR35 (WD repeat domain 35; minus strand). Cytogenetic location: 2p24.1.
Variant type: single nucleotide variant.
Coding change: c.2135A>G on transcript NM_020779.4 (MANE Select); coding-DNA position 2135, A replaced by G.
Protein change: p.Lys712Arg; replaces lysine 712 with arginine.
Molecular consequence: missense variant.
Genome position (GRCh38, 1-based): chr2:19,937,875, T>C on the plus strand (A>G on the coding strand, the complement: WDR35 is on the minus strand). VCF-style: chr2-19937875-T-C. GRCh37 (hg19) VCF-style: chr2-20137636-T-C.
Other names: c.2168A>G, p.Lys723Arg (NM_001006657.2); c.2168A>G (NM_001006657.1); short protein forms K712R, K723R.
Identifiers: ClinVar variation 2083364 (VCV002083364.2), dbSNP rs1390935177, ClinGen allele CA345943757.

ClinVar aggregate classification (germline): Uncertain significance. Review status: criteria provided, multiple submitters, no conflicts (2 of 4 stars). 2 submissions from 2 submitters: Uncertain significance (2). Last evaluated 2025-07-31.

Conditions:
Inborn genetic diseases. Identifiers: MedGen C0950123, MeSH D030342.
Short-rib thoracic dysplasia 7 with or without polydactyly (SRTD7). Also called: Short rib polydactyly syndrome 5; SHORT-RIB THORACIC DYSPLASIA 7 WITH POLYDACTYLY. Identifiers: Orphanet 498497, Orphanet 93271, MedGen C3279792, MONDO:0013569, OMIM 614091.
Cranioectodermal dysplasia 2 (CED2). Identifiers: Orphanet 1515, MedGen C3150874, MONDO:0013323, OMIM 613610.

Allele frequency attached by ClinVar (database versions not stated): TOPMed 0.00001; gnomAD 0.00003.
gnomAD v4.1: 24 of 1,614,066 alleles (0.0015%); highest among the groups gnomAD compares: Non-Finnish European, 0.0019%; no homozygotes.

Submissions (2):

Ambry Genetics
Classification: Uncertain significance for Inborn genetic diseases. Last evaluated: 2025-07-31. Review status: criteria provided, single submitter. Criteria: Ambry Variant Classification Scheme 2023. Collection method: clinical testing. Allele origin: germline.

Labcorp Genetics (formerly Invitae), Labcorp
Classification: Uncertain significance for Cranioectodermal dysplasia 2; Short-rib thoracic dysplasia 7 with or without polydactyly. Last evaluated: 2022-08-16. Review status: criteria provided, single submitter. Criteria: Invitae Variant Classification Sherloc (09022015). Collection method: clinical testing. Allele origin: germline.
Comment: This sequence change replaces lysine, which is basic and polar, with arginine, which is basic and polar, at codon 723 of the WDR35 protein (p.Lys723Arg). This variant is present in population databases (no rsID available, gnomAD 0.002%). This variant has not been reported in the literature in individuals affected with WDR35-related conditions. Algorithms developed to predict the effect of missense changes on protein structure and function output the following: SIFT: "Tolerated"; PolyPhen-2: "Benign"; Align-GVGD: "Class C0". The arginine amino acid residue is found in multiple mammalian species, which suggests that this missense change does not adversely affect protein function. In summary, the available evidence is currently insufficient to determine the role of this variant in disease. Therefore, it has been classified as a Variant of Uncertain Significance.